The following is an entry in ClinVar:

ClinVar aggregate classification (germline): Uncertain significance (1 of 4 stars; one submission).

Allele frequency attached by ClinVar (database versions not stated): gnomAD 0.00001; gnomAD exomes 0.00001; TOPMed 0.00002; ExAC 0.00006; 1000 Genomes Project 30x 0.00016; 1000 Genomes Project 0.00020.
gnomAD v4.1: 21 of 1,612,358 alleles (0.0013%); highest among the groups gnomAD compares: East Asian, 0.025%; no homozygotes.

Submission:

Labcorp Genetics (formerly Invitae), Labcorp
Classification: Uncertain significance. Last evaluated: 2025-03-18. Review status: criteria provided, single submitter. Criteria: Invitae Variant Classification Sherloc (09022015). Collection method: clinical testing. Allele origin: germline.
Comment: This sequence change replaces aspartic acid, which is acidic and polar, with asparagine, which is neutral and polar, at codon 278 of the SIX5 protein (p.Asp278Asn). This variant is present in population databases (rs532831403, gnomAD 0.06%), and has an allele count higher than expected for a pathogenic variant. This missense change has been observed in individual(s) with SIX5-related conditions (PMID: 36549658). ClinVar contains an entry for this variant (Variation ID: 2709744). Invitae Evidence Modeling of protein sequence and biophysical properties (such as structural, functional, and spatial information, amino acid conservation, physicochemical variation, residue mobility, and thermodynamic stability) has been performed for this missense variant. However, the output from this modeling did not meet the statistical confidence thresholds required to predict the impact of this variant on SIX5 protein function. In summary, the available evidence is currently insufficient to determine the role of this variant in disease. Therefore, it has been classified as a Variant of Uncertain Significance.

Literature cited by the submitters: PubMed 36549658.

NM_175875.5(SIX5):c.832G>A (p.Asp278Asn)

Genes: SIX5 (SIX homeobox 5; minus strand), LOC107075317 (origin of replication in DMPK trinucleotide repeat region; plus strand). Cytogenetic location: 19q13.32.
Variant type: single nucleotide variant.
Coding change: c.832G>A on transcript NM_175875.5 (MANE Select); coding-DNA position 832, G replaced by A.
Protein change: p.Asp278Asn; replaces aspartic acid 278 with asparagine.
Molecular consequence: missense variant.
Genome position (GRCh38, 1-based): chr19:45,767,127, C>T on the plus strand (G>A on the coding strand, the complement: SIX5 is on the minus strand). VCF-style: chr19-45767127-C-T. GRCh37 (hg19) VCF-style: chr19-46270385-C-T.
Other names: short protein forms D278N.
Identifiers: ClinVar variation 2709744 (VCV002709744.3), dbSNP rs532831403, ClinGen allele CA9520745.